The following is an entry in ClinVar:

ClinVar aggregate classification (germline): Uncertain significance. Review status: criteria provided, multiple submitters, no conflicts (2 of 4 stars). 4 submissions from 3 submitters: Uncertain significance (4). Last evaluated 2022-09-07.

Conditions:
Amyotrophic lateral sclerosis type 11 (ALS11). Identifiers: Orphanet 803, MedGen C2675491, MONDO:0012945, OMIM 612577.
Charcot-Marie-Tooth disease type 4J (CMT4J). Also called: CHARCOT-MARIE-TOOTH DISEASE, DEMYELINATING, TYPE 4J; Charcot-Marie-Tooth Neuropathy Type 4J; CHARCOT-MARIE-TOOTH DISEASE, AUTOSOMAL RECESSIVE, TYPE 4J. Identifiers: Orphanet 139515, MedGen C1970011, MONDO:0012640, OMIM 611228.
Charcot-Marie-Tooth disease type 4. Also called: Charcot-Marie-Tooth disease, type IV; Charcot-Marie-Tooth, Type 4. Identifiers: Orphanet 64749, MedGen C4082197, MONDO:0018995.

Allele frequency attached by ClinVar (database versions not stated): ExAC 0.00001; gnomAD exomes 0.00001; gnomAD 0.00002; TOPMed 0.00003.
gnomAD v4.1: 23 of 1,614,002 alleles (0.0014%); highest among the groups gnomAD compares: Admixed American, 0.0017%; no homozygotes.

Submissions (4):

Labcorp Genetics (formerly Invitae), Labcorp
Classification: Uncertain significance for Charcot-Marie-Tooth disease type 4. Last evaluated: 2022-09-07. Review status: criteria provided, single submitter. Criteria: Invitae Variant Classification Sherloc (09022015). Collection method: clinical testing. Allele origin: germline.
Comment: This sequence change replaces methionine, which is neutral and non-polar, with threonine, which is neutral and polar, at codon 897 of the FIG4 protein (p.Met897Thr). This variant is present in population databases (rs764958115, gnomAD 0.003%). This variant has not been reported in the literature in individuals affected with FIG4-related conditions. ClinVar contains an entry for this variant (Variation ID: 905581). Algorithms developed to predict the effect of missense changes on protein structure and function output the following: SIFT: "Tolerated"; PolyPhen-2: "Benign"; Align-GVGD: "Class C0". The threonine amino acid residue is found in multiple mammalian species, which suggests that this missense change does not adversely affect protein function. In summary, the available evidence is currently insufficient to determine the role of this variant in disease. Therefore, it has been classified as a Variant of Uncertain Significance.

Athena Diagnostics
Classification: Uncertain significance. Last evaluated: 2021-06-03. Review status: criteria provided, single submitter. Criteria: Athena Diagnostics Criteria. Collection method: clinical testing. Allele origin: unknown.

Illumina Laboratory Services, Illumina
Classification: Uncertain significance for Charcot-Marie-Tooth disease type 4J. Last evaluated: 2017-05-28. Review status: criteria provided, single submitter. Criteria: ICSL Variant Classification Criteria 13 December 2019. Collection method: clinical testing. Allele origin: germline.
Comment: This variant was observed as part of a predisposition screen in an ostensibly healthy population. A literature search was performed for the gene, cDNA change, and amino acid change (where applicable). Publications were found based on this search. However, the evidence from the literature, in combination with allele frequency data from public databases where available, was not sufficient to rule this variant in or out of causing disease. Therefore, this variant is classified as a variant of unknown significance.

Illumina Laboratory Services, Illumina
Classification: Uncertain significance for Amyotrophic lateral sclerosis type 11. Last evaluated: 2017-04-27. Review status: criteria provided, single submitter. Criteria: ICSL Variant Classification Criteria 13 December 2019. Collection method: clinical testing. Allele origin: germline.

Literature cited by the submitters: PubMed 25614874 (cited by Athena Diagnostics and Illumina Laboratory Services, Illumina).

NM_014845.6(FIG4):c.2690T>C (p.Met897Thr)

Gene: FIG4 (FIG4 phosphoinositide 5-phosphatase; plus strand). Cytogenetic location: 6q21.
Variant type: single nucleotide variant.
Coding change: c.2690T>C on transcript NM_014845.6 (MANE Select); coding-DNA position 2690, T replaced by C.
Protein change: p.Met897Thr; replaces methionine 897 with threonine.
Molecular consequence: missense variant.
Genome position (GRCh38, 1-based): chr6:109,825,231, T>C. VCF-style: chr6-109825231-T-C. GRCh37 (hg19) VCF-style: chr6-110146434-T-C.
Other names: short protein forms M897T.
Identifiers: ClinVar variation 905581 (VCV000905581.8), dbSNP rs764958115, ClinGen allele CA3956485.